The following is an entry in ClinVar:

NM_001211.6(BUB1B):c.2472C>G (p.Ser824Arg)

Gene: BUB1B (BUB1 mitotic checkpoint serine/threonine kinase B; plus strand). Cytogenetic location: 15q15.1.
Variant type: single nucleotide variant.
Coding change: c.2472C>G on transcript NM_001211.6 (MANE Select); coding-DNA position 2472, C replaced by G.
Protein change: p.Ser824Arg; replaces serine 824 with arginine.
Molecular consequence: missense variant.
Genome position (GRCh38, 1-based): chr15:40,212,585, C>G. VCF-style: chr15-40212585-C-G. GRCh37 (hg19) VCF-style: chr15-40504786-C-G.
Other names: short protein forms S824R.
Identifiers: ClinVar variation 1049921 (VCV001049921.1), dbSNP rs1262972802, ClinGen allele CA391695350.

ClinVar aggregate classification (germline): Uncertain significance (0 of 4 stars; one submission).

Allele frequency attached by ClinVar (database versions not stated): gnomAD exomes below 0.00001.
gnomAD v4.1: 4 of 1,613,540 alleles (0.00025%); highest among the groups gnomAD compares: Non-Finnish European, 0.00034%; no homozygotes.

Submission:

Department of Pathology and Laboratory Medicine, Sinai Health System
Classification: Uncertain significance. Review status: no assertion criteria provided. Collection method: clinical testing. Allele origin: unknown. Affected: yes. Study: The Canadian Open Genetics Repository (COGR).
Comment: The BUB1B p.Ser824Arg variant was not identified in the literature nor was it identified in dbSNP, ClinVar or in the following control databases: the 1000 Genomes Project, the NHLBI GO Exome Sequencing Project, or the Genome Aggregation Database (March 6, 2019, v2.1.1). The variant was identified in Cosmic. The p.Ser824 residue is conserved in mammals and computational analyses (PolyPhen-2, SIFT, AlignGVGD, BLOSUM, MutationTaster) provide inconsistent predictions regarding the impact to the protein; this information is not very predictive of pathogenicity. The variant occurs outside of the splicing consensus sequence and 2 of 4 in silico or computational prediction software programs (SpliceSiteFinder, MaxEntScan, NNSPLICE, GeneSplicer) predict a greater than 10% difference in splicing; this is not very predictive of pathogenicity. In summary, based on the above information the clinical significance of this variant cannot be determined with certainty at this time. This variant is classified as a variant of uncertain significance.